The following is an entry in ClinVar:

NM_004370.6(COL12A1):c.7619T>C (p.Val2540Ala)

Gene: COL12A1 (collagen type XII alpha 1 chain; minus strand). Cytogenetic location: 6q13.
Variant type: single nucleotide variant.
Coding change: c.7619T>C on transcript NM_004370.6 (MANE Select); coding-DNA position 7619, T replaced by C.
Protein change: p.Val2540Ala; replaces valine 2540 with alanine.
Molecular consequence: missense variant.
Genome position (GRCh38, 1-based): chr6:75,115,862, A>G on the plus strand (T>C on the coding strand, the complement: COL12A1 is on the minus strand). VCF-style: chr6-75115862-A-G. GRCh37 (hg19) VCF-style: chr6-75825578-A-G.
Other names: c.4127T>C, p.Val1376Ala (NM_080645.3); short protein forms V2540A, V1376A.
Identifiers: ClinVar variation 1495057 (VCV001495057.7), dbSNP rs942074618, ClinGen allele CA141012082.

ClinVar aggregate classification (germline): Uncertain significance. Review status: criteria provided, multiple submitters, no conflicts (2 of 4 stars). 2 submissions from 2 submitters: Uncertain significance (2). Last evaluated 2025-02-25.

Conditions:
Ullrich congenital muscular dystrophy 2 (UCMD2). Identifiers: Orphanet 75840, MedGen C4225314, MONDO:0014654, OMIM 616470.
Bethlem myopathy 2 (BTHLM2). Identifiers: Orphanet 536516, Orphanet 610, MedGen C4225313, MONDO:0034022, OMIM 616471.

Allele frequency attached by ClinVar (database versions not stated): gnomAD exomes below 0.00001.
gnomAD v4.1: 2 of 1,613,488 alleles (0.00012%); highest among the groups gnomAD compares: Non-Finnish European, 0.00017%; no homozygotes.

Submissions (2):

Labcorp Genetics (formerly Invitae), Labcorp
Classification: Uncertain significance for Bethlem myopathy 2; Ullrich congenital muscular dystrophy 2. Last evaluated: 2025-02-25. Review status: criteria provided, single submitter. Criteria: Invitae Variant Classification Sherloc (09022015). Collection method: clinical testing. Allele origin: germline.
Comment: This sequence change replaces valine, which is neutral and non-polar, with alanine, which is neutral and non-polar, at codon 2540 of the COL12A1 protein (p.Val2540Ala). This variant is not present in population databases (gnomAD no frequency). This variant has not been reported in the literature in individuals affected with COL12A1-related conditions. ClinVar contains an entry for this variant (Variation ID: 1495057). Invitae Evidence Modeling of protein sequence and biophysical properties (such as structural, functional, and spatial information, amino acid conservation, physicochemical variation, residue mobility, and thermodynamic stability) has been performed for this missense variant. However, the output from this modeling did not meet the statistical confidence thresholds required to predict the impact of this variant on COL12A1 protein function. In summary, the available evidence is currently insufficient to determine the role of this variant in disease. Therefore, it has been classified as a Variant of Uncertain Significance.

Revvity Omics, Revvity
Classification: Uncertain significance. Last evaluated: 2024-07-28. Review status: criteria provided, single submitter. Criteria: ACMG Guidelines, 2015. Collection method: clinical testing. Allele origin: germline.